The following is an entry in ClinVar:

ClinVar aggregate classification (germline): Uncertain significance (1 of 4 stars; one submission).

Conditions:
Cardiomyopathy (CMYO). Also called: Cardiomyopathies. Identifiers: Orphanet 167848, MedGen C0878544, MONDO:0004994, HP:0001638. Inheritance: Various modes of inheritance.

Submission:

Color Diagnostics, LLC DBA Color Health
Classification: Uncertain significance for Cardiomyopathy. Last evaluated: 2022-08-22. Review status: criteria provided, single submitter. Criteria: ACMG Guidelines, 2015. Collection method: clinical testing. Allele origin: germline.
Comment: This variant causes a A>G nucleotide substitution at the +3 position of intron 38 of the RYR2 gene. To our knowledge, functional studies have not been reported for this variant. This variant has not been reported in individuals affected with cardiovascular disorders in the literature. This variant has not been identified in the general population by the Genome Aggregation Database (gnomAD). The available evidence is insufficient to determine the role of this variant in disease conclusively. Therefore, this variant is classified as a Variant of Uncertain Significance.

NM_001035.3(RYR2):c.5916+3A>G

Gene: RYR2 (ryanodine receptor 2; plus strand). Cytogenetic location: 1q43.
Variant type: single nucleotide variant.
Coding change: c.5916+3A>G on transcript NM_001035.3 (MANE Select); 3 bases into the intron after coding-DNA position 5916, A replaced by G.
Molecular consequence: intron variant.
Genome position (GRCh38, 1-based): chr1:237,617,489, A>G. VCF-style: chr1-237617489-A-G. GRCh37 (hg19) VCF-style: chr1-237780789-A-G.
Identifiers: ClinVar variation 920114 (VCV000920114.5), dbSNP rs1678602747, ClinGen allele CA913187713.